The following is an entry in ClinVar:

NM_000043.6(FAS):c.841T>G (p.Trp281Gly)

Gene: FAS (Fas cell surface death receptor; plus strand). Cytogenetic location: 10q23.31.
Variant type: single nucleotide variant.
Coding change: c.841T>G on transcript NM_000043.6 (MANE Select); coding-DNA position 841, T replaced by G.
Protein change: p.Trp281Gly; replaces tryptophan 281 with glycine.
Molecular consequence: missense variant. On other transcripts: 3 prime UTR variant (2), non-coding transcript variant (7).
Genome position (GRCh38, 1-based): chr10:89,014,283, T>G. VCF-style: chr10-89014283-T-G. GRCh37 (hg19) VCF-style: chr10-90774040-T-G.
Other names: c.*164T>G (NM_001320619.2); c.886T>G, p.Trp296Gly (NM_001410956.1); c.778T>G, p.Trp260Gly (NM_152871.4); c.*153T>G (NM_152872.4); short protein forms W260G, W281G, W296G.
Identifiers: ClinVar variation 1720290 (VCV001720290.5), dbSNP rs2495227447, ClinGen allele CA377509930.
Genomic context (GRCh38, chr10:89,014,283, plus strand): 5'-GAGATCAAGAATGACAATGTCCAAGACACAGCAGAACAGAAAGTTCAACTGCTTCGTAAT[T>G]GGCATCAACTTCATGGAAAGAAAGAAGCGTATGACACATTGATTAAAGATCTCAAAAAAG-3'
Protein context (NP_000034.1, residues 271-291): AEQKVQLLRN[Trp281Gly]HQLHGKKEAY

ClinVar aggregate classification (germline): Uncertain significance (1 of 4 stars; one submission).

Conditions:
Autoimmune lymphoproliferative syndrome type 1. Also called: AUTOIMMUNE LYMPHOPROLIFERATIVE SYNDROME, TYPE I, AUTOSOMAL DOMINANT. Identifiers: Orphanet 3261, MedGen C2717884, MONDO:0011158, OMIM 601859.

Submission:

Labcorp Genetics (formerly Invitae), Labcorp
Classification: Uncertain significance for Autoimmune lymphoproliferative syndrome. Last evaluated: 2025-07-05. Review status: criteria provided, single submitter. Criteria: Invitae Variant Classification Sherloc (09022015). Collection method: clinical testing. Allele origin: germline.
Comment: This sequence change replaces tryptophan, which is neutral and slightly polar, with glycine, which is neutral and non-polar, at codon 281 of the FAS protein (p.Trp281Gly). This variant is not present in population databases (gnomAD no frequency). This variant has not been reported in the literature in individuals affected with FAS-related conditions. ClinVar contains an entry for this variant (Variation ID: 1720290). Invitae Evidence Modeling of protein sequence and biophysical properties (such as structural, functional, and spatial information, amino acid conservation, physicochemical variation, residue mobility, and thermodynamic stability) indicates that this missense variant is expected to disrupt FAS protein function with a positive predictive value of 95%. In summary, the available evidence is currently insufficient to determine the role of this variant in disease. Therefore, it has been classified as a Variant of Uncertain Significance.